The following is an entry in ClinVar:

ClinVar aggregate classification (germline): Uncertain significance (1 of 4 stars; one submission).

gnomAD v4.1: 43 of 1,613,476 alleles (0.0027%); highest among the groups gnomAD compares: South Asian, 0.046%; no homozygotes.

Submission:

Women's Health and Genetics/Laboratory Corporation of America, LabCorp
Classification: Uncertain significance. Last evaluated: 2026-04-07. Review status: criteria provided, single submitter. Criteria: LabCorp Variant Classification Summary - May 2015. Collection method: clinical testing. Allele origin: germline.
Comment: Variant summary: VPS13A c.496-3T>C alters a conserved nucleotide located close to a canonical splice site and therefore could affect mRNA splicing, leading to a significantly altered protein sequence. Consensus agreement among computation tools predict no significant impact on normal splicing. However, these predictions have yet to be confirmed by functional studies. The variant allele was found at a frequency of 5.6e-05 in 251018 control chromosomes. This frequency is not significantly higher than estimated for disease-causing variants in VPS13A, allowing no conclusion about variant significance. To our knowledge, no occurrence of c.496-3T>C in individuals affected with VPS13A-related conditions and no experimental evidence demonstrating its impact on protein function have been reported. No submitters have cited clinical-significance assessments for this variant to ClinVar. Based on the evidence outlined above, the variant was classified as uncertain significance.

NM_033305.3(VPS13A):c.496-3T>C

Gene: VPS13A (vacuolar protein sorting 13 homolog A; plus strand). Cytogenetic location: 9q21.2.
Variant type: single nucleotide variant.
Coding change: c.496-3T>C on transcript NM_033305.3 (MANE Select); 3 bases into the intron before coding-DNA position 496, T replaced by C.
Molecular consequence: intron variant.
Genome position (GRCh38, 1-based): chr9:77,210,613, T>C. VCF-style: chr9-77210613-T-C. GRCh37 (hg19) VCF-style: chr9-79825529-T-C.
Other names: c.496-3T>C (NM_001018038.3, NM_001018037.2, NM_015186.4).
Identifiers: ClinVar variation 4848833 (VCV004848833.1).